The following is an entry in ClinVar:

ClinVar aggregate classification (germline): Likely pathogenic (1 of 4 stars; one submission).

Conditions:
PIK3CA related overgrowth syndrome. Also called: PIK3CA related overgrowth spectrum; PIK3CA-Related Segmental Overgrowth. Identifiers: Orphanet 530313, MedGen C4728213, MONDO:1040002.

Submission:

Clinical Genomics Laboratory, Washington University in St. Louis
Classification: Likely pathogenic for PIK3CA-related overgrowth syndrome. Last evaluated: 2024-08-30. Review status: criteria provided, single submitter. Criteria: Leon-Quintero et al. (Clin Genet. 2025). Collection method: clinical testing. Allele origin: somatic. Affected: yes.
Comment: A PIK3CA c.1353_1367del (p.Leu452_Leu456del) variant was identified at an allelic fraction consistent with somatic origin. This variant, to our knowledge, has not been reported in the medical literature. It is absent from the general population (gnomAD v.4.1.0), indicating it is not a common variant. This variant resides within a region, the C2 domain, of PIK3CA that is defined as a critical functional domain (Lai A et al., PMID: 35997716). The PIK3CA c.1353_1367del (p.Leu452_Leu456del) variant is predicted to cause a change in the length of the protein due to an in-frame deletion of five amino acids in a non-repeat region. Based on available information and an internally developed protocol informed by the ACMG/AMP guidelines for variant interpretation and gene-specific practices from the ClinGen Criteria Specification Registry (Leon-Quintero FZ et al., PMID: 39434542), the PIK3CA c.1353_1367del (p.Leu452_Leu456del) variant is classified as likely pathogenic.

NM_006218.4(PIK3CA):c.1353_1367del (p.Leu452_Leu456del)

Gene: PIK3CA (phosphatidylinositol-4,5-bisphosphate 3-kinase catalytic subunit alpha; plus strand). Cytogenetic location: 3q26.32.
Variant type: Deletion.
Coding change: c.1353_1367del on transcript NM_006218.4 (MANE Select); coding-DNA positions 1353 to 1367, 15 bases deleted (ATTAGAAGATTTGCT).
Protein change: p.Leu452_Leu456del.
Genome position (GRCh38, 1-based): chr3:179,210,287-179,210,301, ATTAGAAGATTTGCT deleted. VCF-style (leftmost placement, unchanged base first): chr3-179210286-GATTAGAAGATTTGCT-G. GRCh37 (hg19) VCF-style: chr3-178928074-GATTAGAAGATTTGCT-G.
Identifiers: ClinVar variation 3774504 (VCV003774504.1).